The following is an entry in ClinVar:

NM_032119.4(ADGRV1):c.4163A>G (p.Gln1388Arg)

Gene: ADGRV1 (adhesion G protein-coupled receptor V1; plus strand). Cytogenetic location: 5q14.3.
Variant type: single nucleotide variant.
Coding change: c.4163A>G on transcript NM_032119.4 (MANE Select); coding-DNA position 4163, A replaced by G.
Protein change: p.Gln1388Arg; replaces glutamine 1388 with arginine.
Molecular consequence: missense variant. On other transcripts: non-coding transcript variant (1).
Genome position (GRCh38, 1-based): chr5:90,653,737, A>G. VCF-style: chr5-90653737-A-G. GRCh37 (hg19) VCF-style: chr5-89949554-A-G.
Other names: short protein forms Q1388R.
Identifiers: ClinVar variation 3893423 (VCV003893423.1).

ClinVar aggregate classification (germline): Uncertain significance (1 of 4 stars; one submission).

gnomAD v4.1: 1 of 1,612,954 alleles (0.000062%); no homozygotes.

Submission:

GeneDx
Classification: Uncertain significance. Last evaluated: 2024-10-24. Review status: criteria provided, single submitter. Criteria: GeneDx Variant Classification Process June 2021. Collection method: clinical testing. Allele origin: germline. Affected: yes.
Comment: Not observed at significant frequency in large population cohorts (gnomAD); In silico analysis indicates that this missense variant does not alter protein structure/function; Has not been previously published as pathogenic or benign to our knowledge